The following is an entry in ClinVar:

NM_000554.6(CRX):c.102C>T (p.Ser34=)

Gene: CRX (cone-rod homeobox; plus strand). Cytogenetic location: 19q13.33.
Variant type: single nucleotide variant.
Coding change: c.102C>T on transcript NM_000554.6 (MANE Select); coding-DNA position 102, C replaced by T.
Protein change: p.Ser34=; no amino-acid change (serine 34 retained).
Molecular consequence: synonymous variant.
Genome position (GRCh38, 1-based): chr19:47,836,244, C>T. VCF-style: chr19-47836244-C-T. GRCh37 (hg19) VCF-style: chr19-48339501-C-T.
Other names: c.102C>T (NM_000554.5).
Identifiers: ClinVar variation 285904 (VCV000285904.18), dbSNP rs139778328, ClinGen allele CA9544399.

ClinVar aggregate classification (germline): Benign/Likely benign. Review status: criteria provided, multiple submitters, no conflicts (2 of 4 stars). 4 submissions from 4 submitters: Benign (1); Likely benign (2). 1 of the submissions does not count toward it. Last evaluated 2026-01-24.

Conditions:
CRX-related disorder. Also called: CRX-related condition.
Cone-rod dystrophy 2 (CORD2). Also called: CONE-ROD RETINAL DYSTROPHY; Cone-rod retinal dystrophy 2. Identifiers: Orphanet 1872, MedGen C3489532, MONDO:0007362, OMIM 120970.
Leber congenital amaurosis 7 (LCA7). Identifiers: Orphanet 65, MedGen C3151192, MONDO:0013449, OMIM 613829.

Allele frequency attached by ClinVar (database versions not stated): ExAC 0.00034; ESP Exome Variant Server 0.00046; TOPMed 0.00088; gnomAD 0.00102; 1000 Genomes Project 30x 0.00125; 1000 Genomes Project 0.00140.
gnomAD v4.1: 250 of 1,614,174 alleles (0.015%); highest among the groups gnomAD compares: African/African-American, 0.23%; no homozygotes.

Submissions (4):

Labcorp Genetics (formerly Invitae), Labcorp
Classification: Benign for Cone-rod dystrophy 2; Leber congenital amaurosis 7. Last evaluated: 2026-01-24. Review status: criteria provided, single submitter. Criteria: Invitae Variant Classification Sherloc (09022015). Collection method: clinical testing. Allele origin: germline.

Blueprint Genetics
Classification: Likely benign. Last evaluated: 2024-03-12. Review status: criteria provided, single submitter. Criteria: ACMG Guidelines, 2015. Collection method: clinical testing. Allele origin: germline.

Eurofins Ntd Llc (ga)
Classification: Likely benign. Last evaluated: 2016-02-01. Review status: criteria provided, single submitter. Criteria: EGL Classification Definitions 2015. Collection method: clinical testing. Allele origin: germline. Observed: 1 variant allele, 1 heterozygote.

PreventionGenetics, part of Exact Sciences
Classification: Likely benign for CRX-related condition. Last evaluated: 2020-04-01. Review status: no assertion criteria provided. Collection method: clinical testing. Allele origin: germline. Not counted in ClinVar's aggregate classification.
Comment: This variant is classified as likely benign based on ACMG/AMP sequence variant interpretation guidelines (Richards et al. 2015 PMID: 25741868, with internal and published modifications).